The following is an entry in ClinVar:

NM_170606.3(KMT2C):c.6361_6362insATACTTTTTCCCAGTTGG (p.Thr2121delinsAsnThrPheSerGlnLeuAla)

Gene: KMT2C (lysine methyltransferase 2C; minus strand). Cytogenetic location: 7q36.1.
Variant type: Insertion.
Coding change: c.6361_6362insATACTTTTTCCCAGTTGG on transcript NM_170606.3 (MANE Select); coding-DNA positions 6361 to 6362, ATACTTTTTCCCAGTTGG inserted.
Protein change: p.Thr2121delinsAsnThrPheSerGlnLeuAla.
Molecular consequence: inframe indel.
Genome position: GRCh38 VCF-style: chr7-152181498-G-GCCAACTGGGAAAAAGTAT. GRCh37 (hg19) VCF-style: chr7-151878583-G-GCCAACTGGGAAAAAGTAT.
Identifiers: ClinVar variation 3062068 (VCV003062068.1), dbSNP rs2487797003, ClinGen allele CA2740094951.

ClinVar aggregate classification (germline): Uncertain significance (1 of 4 stars; one submission).

Conditions:
Kleefstra syndrome 2 (KLEFS2). Identifiers: MedGen C4540395, MONDO:0054701, OMIM 617768.

Submission:

Illumina Laboratory Services, Illumina
Classification: Uncertain significance for Kleefstra syndrome 2. Last evaluated: 2021-05-17. Review status: criteria provided, single submitter. Criteria: ICSLVariantClassificationCriteria RUGD 01 April 2020. Collection method: clinical testing. Allele origin: unknown.
Comment: The KMT2C c.6361delinsCATACTTTTTCCCAGTTGG p.(Thr2121delinsHisThrPheSerGlnLeuAla) variant is a complex variant resulting in an amino acid substitution at residue Thr2121 followed by an in-frame insertion of six amino acids. This variant is predicted to cause an elongation of the protein, however this has not been evaluated experimentally. This variant is not observed in version 2.1.1 of the Genome Aggregation Database. Based on the limited evidence, the c.6361delinsCATACTTTTTCCCAGTTGG p.(Thr2121delinsHisThrPheSerGlnLeuAla) variant is classified as a variant of uncertain significance for Kleefstra syndrome.